The following is an entry in ClinVar:

NM_000465.4(BARD1):c.1863G>T (p.Met621Ile)

Gene: BARD1 (BRCA1 associated RING domain 1; minus strand). Cytogenetic location: 2q35.
Variant type: single nucleotide variant.
Coding change: c.1863G>T on transcript NM_000465.4 (MANE Select); coding-DNA position 1863, G replaced by T.
Protein change: p.Met621Ile; replaces methionine 621 with isoleucine.
Molecular consequence: missense variant. On other transcripts: non-coding transcript variant (3), intron variant (1).
Genome position (GRCh38, 1-based): chr2:214,745,107, C>A on the plus strand (G>T on the coding strand, the complement: BARD1 is on the minus strand). VCF-style: chr2-214745107-C-A. GRCh37 (hg19) VCF-style: chr2-215609831-C-A.
Other names: c.510G>T, p.Met170Ile (NM_001282545.2); c.453G>T, p.Met151Ile (NM_001282548.2); c.365-14599G>T (NM_001282549.2); c.1806G>T, p.Met602Ile (NM_001282543.2); short protein forms M621I, M170I, M602I, M151I.
Identifiers: ClinVar variation 142103 (VCV000142103.19), dbSNP rs587782235, ClinGen allele CA167407.

ClinVar aggregate classification (germline): Uncertain significance. Review status: criteria provided, multiple submitters, no conflicts (2 of 4 stars). 3 submissions from 3 submitters: Uncertain significance (3). Last evaluated 2025-09-26.

Conditions:
Hereditary cancer-predisposing syndrome. Also called: Neoplastic Syndromes, Hereditary; Tumor predisposition; Hereditary Cancer Syndrome; Hereditary neoplastic syndrome. Identifiers: Orphanet 140162, MedGen C0027672, MeSH D009386, MONDO:0015356.
Familial cancer of breast. Also called: BREAST CANCER, FAMILIAL; Hereditary breast cancer; hereditary breast carcinoma. Identifiers: Orphanet 227535, MedGen C0346153, MONDO:0016419, OMIM 114480. Disease mechanism: loss of function.

Submissions (3):

Ambry Genetics
Classification: Uncertain significance for Hereditary cancer-predisposing syndrome. Last evaluated: 2025-09-26. Review status: criteria provided, single submitter. Criteria: Ambry Variant Classification Scheme 2023. Collection method: clinical testing. Allele origin: germline.
Comment: The p.M621I variant (also known as c.1863G>T), located in coding exon 9 of the BARD1 gene, results from a G to T substitution at nucleotide position 1863. The methionine at codon 621 is replaced by isoleucine, an amino acid with highly similar properties. Functional analyses demonstrates that this variant retains 70% homology-directed repair function compared to wild-type (Lee C et al. Hum Mutat, 2015 Dec;36:1205-14). This amino acid position is well conserved in available vertebrate species. In addition, this alteration is predicted to be tolerated by in silico analysis. Since supporting evidence is limited at this time, the clinical significance of this alteration remains unclear.

Color Diagnostics, LLC DBA Color Health
Classification: Uncertain significance for Hereditary cancer-predisposing syndrome. Last evaluated: 2023-03-07. Review status: criteria provided, single submitter. Criteria: ACMG Guidelines, 2015. Collection method: clinical testing. Allele origin: germline.
Comment: This missense variant replaces methionine with isoleucine at codon 621 of the BARD1 protein. Computational prediction suggests that this variant may not impact protein structure and function (internally defined REVEL score threshold <= 0.5, PMID: 27666373). Functional studies have shown that this variant causes a slight decrease in homology directed repair compared to wild type (PMID: 26350354). This variant has not been reported in individuals affected with BARD1-related disorders in the literature. This variant has not been identified in the general population by the Genome Aggregation Database (gnomAD). The available evidence is insufficient to determine the role of this variant in disease conclusively. Therefore, this variant is classified as a Variant of Uncertain Significance.

Labcorp Genetics (formerly Invitae), Labcorp
Classification: Uncertain significance for Familial cancer of breast. Last evaluated: 2022-10-17. Review status: criteria provided, single submitter. Criteria: Invitae Variant Classification Sherloc (09022015). Collection method: clinical testing. Allele origin: germline.
Comment: In summary, the available evidence is currently insufficient to determine the role of this variant in disease. Therefore, it has been classified as a Variant of Uncertain Significance. Experimental studies have shown that this missense change does not substantially affect BARD1 function (PMID: 26350354). Algorithms developed to predict the effect of missense changes on protein structure and function output the following: SIFT: "Deleterious"; PolyPhen-2: "Benign"; Align-GVGD: "Class C0". The isoleucine amino acid residue is found in multiple mammalian species, which suggests that this missense change does not adversely affect protein function. ClinVar contains an entry for this variant (Variation ID: 142103). This variant has not been reported in the literature in individuals affected with BARD1-related conditions. This variant is not present in population databases (gnomAD no frequency). This sequence change replaces methionine, which is neutral and non-polar, with isoleucine, which is neutral and non-polar, at codon 621 of the BARD1 protein (p.Met621Ile).

Literature cited by the submitters: PubMed 26350354 (cited by 3 submitters).